The following is an entry in ClinVar:

ClinVar aggregate classification (germline): Benign (0 of 4 stars; one submission).

Conditions:
DNAH17-related disorder. Also called: DNAH17-related condition.

Allele frequency attached by ClinVar (database versions not stated): 1000 Genomes Project 0.01198; 1000 Genomes Project 30x 0.01265; gnomAD 0.01868; ExAC 0.01908; TOPMed 0.01930; ESP Exome Variant Server 0.02414.
gnomAD v4.1: 44,268 of 1,613,218 alleles (2.7%); highest among the groups gnomAD compares: Non-Finnish European, 3.4%; 709 homozygotes.

Submission:

PreventionGenetics, part of Exact Sciences
Classification: Benign for DNAH17-related condition. Last evaluated: 2019-02-26. Review status: no assertion criteria provided. Collection method: clinical testing. Allele origin: germline.
Comment: This variant is classified as benign based on ACMG/AMP sequence variant interpretation guidelines (Richards et al. 2015 PMID: 25741868, with internal and published modifications).

NM_173628.4(DNAH17):c.4539C>G (p.Leu1513=)

Genes: DNAH17 (dynein axonemal heavy chain 17; minus strand), LOC126862654 (MED14-independent group 3 enhancer GRCh37_chr17:76502868-76504067; plus strand). Cytogenetic location: 17q25.3.
Variant type: single nucleotide variant.
Coding change: c.4539C>G on transcript NM_173628.4 (MANE Select); coding-DNA position 4539, C replaced by G.
Protein change: p.Leu1513=; no amino-acid change (leucine 1513 retained).
Molecular consequence: synonymous variant.
Genome position (GRCh38, 1-based): chr17:78,507,503, G>C on the plus strand (C>G on the coding strand, the complement: DNAH17 is on the minus strand). VCF-style: chr17-78507503-G-C. GRCh37 (hg19) VCF-style: chr17-76503585-G-C.
Identifiers: ClinVar variation 3038260 (VCV003038260.2), dbSNP rs12943086, ClinGen allele CA8803739.
Genomic context (GRCh38, chr17:78,507,503, plus strand): 5'-CCGGGCTGTGCTCACCTTGAATTCCTGGTTGATGTCGTCAAAGCGCTGGGAGTCCCCCGG[G>C]AGCTGGGTGCGGATGTCTTCGGAGCCGATGAAGATGCTCTCCAGGTGGCTCCAGGTTCGC-3'
Protein context (NP_775899.3, residues 1503-1523): FIGSEDIRTQ[Leu1513=]PGDSQRFDDI